The following is an entry in ClinVar:

NM_000553.6(WRN):c.620A>G (p.Glu207Gly)

Gene: WRN (WRN RecQ like helicase; plus strand). Cytogenetic location: 8p12.
Variant type: single nucleotide variant.
Coding change: c.620A>G on transcript NM_000553.6 (MANE Select); coding-DNA position 620, A replaced by G.
Protein change: p.Glu207Gly; replaces glutamic acid 207 with glycine.
Molecular consequence: missense variant.
Genome position (GRCh38, 1-based): chr8:31,067,148, A>G. VCF-style: chr8-31067148-A-G. GRCh37 (hg19) VCF-style: chr8-30924664-A-G.
Other names: short protein forms E207G.
Identifiers: ClinVar variation 3664318 (VCV003664318.2).

ClinVar aggregate classification (germline): Uncertain significance (1 of 4 stars; one submission).

Conditions:
Werner syndrome (WRN). Identifiers: Orphanet 902, MedGen C0043119, MONDO:0010196, OMIM 277700.

Submission:

Labcorp Genetics (formerly Invitae), Labcorp
Classification: Uncertain significance for Werner syndrome. Last evaluated: 2024-09-03. Review status: criteria provided, single submitter. Criteria: Invitae Variant Classification Sherloc (09022015). Collection method: clinical testing. Allele origin: germline.
Comment: This sequence change replaces glutamic acid, which is acidic and polar, with glycine, which is neutral and non-polar, at codon 207 of the WRN protein (p.Glu207Gly). This variant is not present in population databases (gnomAD no frequency). This variant has not been reported in the literature in individuals affected with WRN-related conditions. An algorithm developed to predict the effect of missense changes on protein structure and function (PolyPhen-2) suggests that this variant is likely to be disruptive. In summary, the available evidence is currently insufficient to determine the role of this variant in disease. Therefore, it has been classified as a Variant of Uncertain Significance.